The following is an entry in ClinVar:

NM_139125.4(MASP1):c.1521G>A (p.Thr507=)

Gene: MASP1 (MBL associated serine protease 1; minus strand). Cytogenetic location: 3q27.3.
Variant type: single nucleotide variant.
Coding change: c.1521G>A on transcript NM_139125.4 (MANE Select); coding-DNA position 1521, G replaced by A.
Protein change: p.Thr507=; no amino-acid change (threonine 507 retained).
Molecular consequence: synonymous variant. On other transcripts: non-coding transcript variant (1), intron variant (1).
Genome position (GRCh38, 1-based): chr3:187,236,350, C>T on the plus strand (G>A on the coding strand, the complement: MASP1 is on the minus strand). VCF-style: chr3-187236350-C-T. GRCh37 (hg19) VCF-style: chr3-186954138-C-T.
Other names: c.1303+5131G>A (NM_001879.6).
Identifiers: ClinVar variation 595055 (VCV000595055.42), dbSNP rs139497497, ClinGen allele CA2749241.
Genomic context (GRCh38, chr3:187,236,350, plus strand): 5'-GTCTCGCACATCATGCAAGCCCAGGTAGACGGTGACATGCTCCTTGGAGACTGGTATCAC[C>T]GTGGTGTCTCTACGCTGGGAGCGCAGCACATGAGCTGCTGTGAGGATCCAGGACGCAGAG-3'
Protein context (NP_624302.1, residues 497-517): HVLRSQRRDT[Thr507=]VIPVSKEHVT

ClinVar aggregate classification (germline): Conflicting classifications of pathogenicity. Review status: criteria provided, conflicting classifications (1 of 4 stars). 6 submissions from 6 submitters: Uncertain significance (1); Benign (1); Likely benign (3). 1 of the submissions does not count toward it. Last evaluated 2026-03-01.

Conditions:
MASP1-related disorder. Also called: MASP1-related condition.
3MC syndrome 1. Also called: MICHELS SYNDROME; OCULOPALATOSKELETAL SYNDROME; CRANIOSYNOSTOSIS WITH LID ANOMALIES. Identifiers: Orphanet 293843, MedGen C0796059, MONDO:0009770, OMIM 257920.

Allele frequency attached by ClinVar (database versions not stated): 1000 Genomes Project 30x 0.00062; 1000 Genomes Project 0.00080; gnomAD exomes 0.00175 and 0.00270; ExAC 0.00185; gnomAD 0.00204 and 0.00216; TOPMed 0.00210; ESP Exome Variant Server 0.00261.
gnomAD v4.1: 4,230 of 1,614,204 alleles (0.26%); highest among the groups gnomAD compares: Non-Finnish European, 0.33%; 8 homozygotes.

Submissions (6):

CeGaT Center for Human Genetics Tuebingen
Classification: Likely benign. Last evaluated: 2026-03-01. Review status: criteria provided, single submitter. Criteria: CeGaT Center For Human Genetics Tuebingen Variant Classification Criteria Version 2. Collection method: clinical testing. Allele origin: germline. Affected: yes. Observed: 9 variant alleles.
Comment: MASP1: BP4, BP7

Labcorp Genetics (formerly Invitae), Labcorp
Classification: Benign for 3MC syndrome 1. Last evaluated: 2025-11-02. Review status: criteria provided, single submitter. Criteria: Invitae Variant Classification Sherloc (09022015). Collection method: clinical testing. Allele origin: germline.

Blueprint Genetics
Classification: Likely benign. Last evaluated: 2024-11-20. Review status: criteria provided, single submitter. Criteria: ACMG Guidelines, 2015. Collection method: clinical testing. Allele origin: germline.

GeneDx
Classification: Likely benign. Last evaluated: 2019-05-03. Review status: criteria provided, single submitter. Criteria: GeneDx Variant Classification Process June 2021. Collection method: clinical testing. Allele origin: germline. Affected: yes.

Eurofins Ntd Llc (ga)
Classification: Uncertain significance. Last evaluated: 2017-11-30. Review status: criteria provided, single submitter. Criteria: EGL Classification Definitions 2015. Collection method: clinical testing. Allele origin: germline. Observed: 1 variant allele, 1 heterozygote.

PreventionGenetics, part of Exact Sciences
Classification: Likely benign for MASP1-related condition. Last evaluated: 2020-01-31. Review status: no assertion criteria provided. Collection method: clinical testing. Allele origin: germline. Not counted in ClinVar's aggregate classification.
Comment: This variant is classified as likely benign based on ACMG/AMP sequence variant interpretation guidelines (Richards et al. 2015 PMID: 25741868, with internal and published modifications).